The following is an entry in ClinVar:

NM_006846.4(SPINK5):c.2667-16T>G

Gene: SPINK5 (serine peptidase inhibitor Kazal type 5; plus strand). Cytogenetic location: 5q32.
Variant type: single nucleotide variant.
Coding change: c.2667-16T>G on transcript NM_006846.4 (MANE Select); 16 bases into the intron before coding-DNA position 2667, T replaced by G.
Molecular consequence: intron variant.
Genome position (GRCh38, 1-based): chr5:148,124,749, T>G. VCF-style: chr5-148124749-T-G. GRCh37 (hg19) VCF-style: chr5-147504312-T-G.
Other names: c.2667-16T>G (NM_001127698.2, NM_001127699.2).
Identifiers: ClinVar variation 383466 (VCV000383466.9), dbSNP rs1057521635, ClinGen allele CA16604893.

ClinVar aggregate classification (germline): Likely benign. Review status: criteria provided, multiple submitters, no conflicts (2 of 4 stars). 2 submissions from 2 submitters: Likely benign (2). Last evaluated 2023-11-14.

Conditions:
Ichthyosis linearis circumflexa. Identifiers: MedGen C0265962, MONDO:0043106, HP:0025810.

Allele frequency attached by ClinVar (database versions not stated): TOPMed below 0.00001.

Submissions (2):

Labcorp Genetics (formerly Invitae), Labcorp
Classification: Likely benign for Ichthyosis linearis circumflexa. Last evaluated: 2023-11-14. Review status: criteria provided, single submitter. Criteria: Invitae Variant Classification Sherloc (09022015). Collection method: clinical testing. Allele origin: germline.

GeneDx
Classification: Likely benign. Last evaluated: 2016-01-26. Review status: criteria provided, single submitter. Criteria: GeneDx Variant Classification (06012015). Collection method: clinical testing. Allele origin: germline. Affected: yes.
Comment: This variant is considered likely benign or benign based on one or more of the following criteria: it is a conservative change, it occurs at a poorly conserved position in the protein, it is predicted to be benign by multiple in silico algorithms, and/or has population frequency not consistent with disease.